The following is an entry in ClinVar:

NM_007347.5(AP4E1):c.3197C>T (p.Pro1066Leu)

Gene: AP4E1 (adaptor related protein complex 4 subunit epsilon 1; plus strand). Cytogenetic location: 15q21.2.
Variant type: single nucleotide variant.
Coding change: c.3197C>T on transcript NM_007347.5 (MANE Select); coding-DNA position 3197, C replaced by T.
Protein change: p.Pro1066Leu; replaces proline 1066 with leucine.
Molecular consequence: missense variant.
Genome position (GRCh38, 1-based): chr15:51,001,127, C>T. VCF-style: chr15-51001127-C-T. GRCh37 (hg19) VCF-style: chr15-51293324-C-T.
Other names: c.2972C>T, p.Pro991Leu (NM_001252127.2); short protein forms P1066L, P991L.
Identifiers: ClinVar variation 2645338 (VCV002645338.24), dbSNP rs769024639, ClinGen allele CA7559458.

ClinVar aggregate classification (germline): Uncertain significance (1 of 4 stars; one submission).

Allele frequency attached by ClinVar (database versions not stated): ExAC 0.00001; gnomAD exomes 0.00001.
gnomAD v4.1: 3 of 1,613,660 alleles (0.00019%); highest among the groups gnomAD compares: Middle Eastern, 0.017%; no homozygotes.

Submission:

CeGaT Center for Human Genetics Tuebingen
Classification: Uncertain significance. Last evaluated: 2023-09-01. Review status: criteria provided, single submitter. Criteria: CeGaT Center For Human Genetics Tuebingen Variant Classification Criteria Version 2. Collection method: clinical testing. Allele origin: germline. Affected: yes. Observed: 1 variant allele.
Comment: AP4E1: PM2, BP4